The following is an entry in ClinVar:

NM_020922.5(WNK3):c.1162C>T (p.Gln388Ter)

Gene: WNK3 (WNK lysine deficient protein kinase 3; minus strand). Cytogenetic location: Xp11.22.
Variant type: single nucleotide variant.
Coding change: c.1162C>T on transcript NM_020922.5 (MANE Select); coding-DNA position 1162, C replaced by T.
Protein change: p.Gln388Ter; replaces glutamine 388 with a stop codon.
Molecular consequence: nonsense.
Genome position (GRCh38, 1-based): chrX:54,301,787, G>A on the plus strand (C>T on the coding strand, the complement: WNK3 is on the minus strand). VCF-style: chrX-54301787-G-A. GRCh37 (hg19) VCF-style: chrX-54328220-G-A.
Other names: c.1162C>T, p.Gln388Ter (NM_001002838.4, NM_001395166.1); short protein forms Q388*.
Identifiers: ClinVar variation 3390281 (VCV003390281.14).
Genomic context (GRCh38, chrX:54,301,787, plus strand): 5'-AAATGCATCTTTCAGTTATGTCATTTTGCTACAATTGCACCCACCTTTCAGATTTGTTTT[G>A]ACGAATACATCCTTCAATGATTTCTTTGACTTCAGGATCAGTGACTTTATTGAAGCTGGC-3'

ClinVar aggregate classification (germline): Likely pathogenic (1 of 4 stars; one submission).

Submission:

CeGaT Center for Human Genetics Tuebingen
Classification: Likely pathogenic. Last evaluated: 2024-11-01. Review status: criteria provided, single submitter. Criteria: CeGaT Center For Human Genetics Tuebingen Variant Classification Criteria Version 2. Collection method: clinical testing. Allele origin: germline. Affected: yes. Observed: 1 variant allele.
Comment: WNK3: PM2, PS2:Moderate, PVS1:Moderate